The following is an entry in ClinVar:

ClinVar aggregate classification (germline): Uncertain significance (1 of 4 stars; one submission).

Conditions:
Hereditary breast ovarian cancer syndrome. Also called: BRCA1- and BRCA2-Associated Hereditary Breast and Ovarian Cancer; Hereditary breast and ovarian cancer syndrome; Hereditary breast and ovarian cancer syndrome (HBOC); Hereditary breast and/or ovarian cancer syndrome; Breast and ovarian cancer; Hereditary breast and ovarian cancer. Identifiers: Orphanet 145, MedGen C0677776, MeSH D061325, MONDO:0003582. Disease mechanism: loss of function.

Submission:

Labcorp Genetics (formerly Invitae), Labcorp
Classification: Uncertain significance for Hereditary breast and ovarian cancer syndrome. Last evaluated: 2018-07-03. Review status: criteria provided, single submitter. Criteria: Invitae Variant Classification Sherloc (09022015). Collection method: clinical testing. Allele origin: germline.
Comment: This sequence change replaces threonine with proline at codon 3371 of the BRCA2 protein (p.Thr3371Pro). The threonine residue is moderately conserved and there is a small physicochemical difference between threonine and proline. This variant is not present in population databases (ExAC no frequency). This variant has not been reported in the literature in individuals with BRCA2-related disease. Algorithms developed to predict the effect of missense changes on protein structure and function (SIFT, PolyPhen-2, Align-GVGD) all suggest that this variant is likely to be tolerated, but these predictions have not been confirmed by published functional studies and their clinical significance is uncertain. In summary, the available evidence is currently insufficient to determine the role of this variant in disease. Therefore, it has been classified as a Variant of Uncertain Significance.

NM_000059.4(BRCA2):c.10111A>C (p.Thr3371Pro)

Gene: BRCA2 (BRCA2 DNA repair associated; plus strand). Cytogenetic location: 13q13.1.
Variant type: single nucleotide variant.
Coding change: c.10111A>C on transcript NM_000059.4 (MANE Select); coding-DNA position 10111, A replaced by C.
Protein change: p.Thr3371Pro; replaces threonine 3371 with proline.
Molecular consequence: missense variant.
Genome position (GRCh38, 1-based): chr13:32,398,624, A>C. VCF-style: chr13-32398624-A-C. GRCh37 (hg19) VCF-style: chr13-32972761-A-C.
Other names: short protein forms T3371P.
Identifiers: ClinVar variation 657894 (VCV000657894.1), dbSNP rs80358393, ClinGen allele CA387768036.
Genomic context (GRCh38, chr13:32,398,624, plus strand): 5'-GCTCTTTTGTCTGGTTCAACAGGAGAAAAACAATTTATATCTGTCAGTGAATCCACTAGG[A>C]CTGCTCCCACCAGTTCAGAAGATTATCTCAGACTGAAACGACGTTGTACTACATCTCTGA-3'
Protein context (NP_000050.3, residues 3361-3381): QFISVSESTR[Thr3371Pro]APTSSEDYLR